The following is an entry in ClinVar:

ClinVar aggregate classification (germline): Benign. Review status: criteria provided, multiple submitters, no conflicts (2 of 4 stars). 2 submissions from 2 submitters: Benign (2). Last evaluated 2018-06-14.

Allele frequency attached by ClinVar (database versions not stated): gnomAD exomes 0.06557; 1000 Genomes Project 0.07029; 1000 Genomes Project 30x 0.07480; gnomAD 0.09219 and 0.09684; TOPMed 0.09788.
gnomAD v4.1: 97,036 of 1,412,908 alleles (6.9%); highest among the groups gnomAD compares: African/African-American, 17%; 3,948 homozygotes.

Submissions (2):

GeneDx
Classification: Benign. Last evaluated: 2018-06-14. Review status: criteria provided, single submitter. Criteria: GeneDx Variant Classification (06012015). Collection method: clinical testing. Allele origin: germline. Affected: yes.
Comment: This variant is considered likely benign or benign based on one or more of the following criteria: it is a conservative change, it occurs at a poorly conserved position in the protein, it is predicted to be benign by multiple in silico algorithms, and/or has population frequency not consistent with disease.

Breakthrough Genomics
Classification: Benign. Review status: criteria provided, single submitter. Criteria: ACMG Guidelines, 2015. Collection method: not provided. Allele origin: germline. Inheritance: Autosomal recessive inheritance. Affected: yes.

NM_133642.5(LARGE1):c.1731-91C>G

Gene: LARGE1 (LARGE xylosyl- and glucuronyltransferase 1; minus strand). Cytogenetic location: 22q12.3.
Variant type: single nucleotide variant.
Coding change: c.1731-91C>G on transcript NM_133642.5 (MANE Select); 91 bases into the intron before coding-DNA position 1731, C replaced by G.
Molecular consequence: intron variant.
Genome position (GRCh38, 1-based): chr22:33,283,439, G>C on the plus strand (C>G on the coding strand, the complement: LARGE1 is on the minus strand). VCF-style: chr22-33283439-G-C. GRCh37 (hg19) VCF-style: chr22-33679425-G-C.
Other names: c.1731-91C>G (NM_001362953.2, NM_001362949.2, NM_001362951.2 and 4 more transcripts); c.1731-6184C>G (NM_001378627.1, NM_001378628.1); c.1575-91C>G (NM_001378629.1); c.972-6184C>G (NM_001378631.1); c.1128-91C>G (NM_001378630.1).
Identifiers: ClinVar variation 672499 (VCV000672499.2), dbSNP rs1018365, ClinGen allele CA14958651.